The following is an entry in ClinVar:

ClinVar aggregate classification (germline): Uncertain significance (0 of 4 stars; one submission).

Conditions:
PLXNA1-related disorder. Also called: PLXNA1-related condition.

gnomAD v4.1: 9 of 1,613,826 alleles (0.00056%); highest among the groups gnomAD compares: Non-Finnish European, 0.00076%; no homozygotes.

Submission:

PreventionGenetics, part of Exact Sciences
Classification: Uncertain significance for PLXNA1-related condition. Last evaluated: 2024-08-02. Review status: no assertion criteria provided. Collection method: clinical testing. Allele origin: germline.
Comment: The PLXNA1 c.4823A>G variant is predicted to result in the amino acid substitution p.Tyr1608Cys. To our knowledge, this variant has not been reported in the literature. This variant is reported in 0.0035% of alleles in individuals of European (Non-Finnish) descent in gnomAD. At this time, the clinical significance of this variant is uncertain due to the absence of conclusive functional and genetic evidence.

NM_032242.4(PLXNA1):c.4823A>G (p.Tyr1608Cys)

Gene: PLXNA1 (plexin A1; plus strand). Cytogenetic location: 3q21.3.
Variant type: single nucleotide variant.
Coding change: c.4823A>G on transcript NM_032242.4 (MANE Select); coding-DNA position 4823, A replaced by G.
Protein change: p.Tyr1608Cys; replaces tyrosine 1608 with cysteine.
Molecular consequence: missense variant.
Genome position (GRCh38, 1-based): chr3:127,029,489, A>G. VCF-style: chr3-127029489-A-G. GRCh37 (hg19) VCF-style: chr3-126748332-A-G.
Other names: short protein forms Y1608C.
Identifiers: ClinVar variation 3345459 (VCV003345459.1).
Genomic context (GRCh38, chr3:127,029,489, plus strand): 5'-TCTGCCCACAGGTGACAGACGGGTCCTCGGTGGCACTGGTGCCCAAGCAGACGTCCGCCT[A>G]CAACATCTCCAACTCCTCCACCTTCACCAAGTCCCTCAGCAGATACGGTGAGGGGCCAGG-3'
Protein context (NP_115618.3, residues 1598-1618): VALVPKQTSA[Tyr1608Cys]NISNSSTFTK